The following is an entry in ClinVar:

ClinVar aggregate classification (germline): Uncertain significance (1 of 4 stars; one submission).

Conditions:
Alpha-methylacyl-CoA racemase deficiency (AMACRD). Also called: AMACR deficiency. Identifiers: Orphanet 79095, MedGen C3280428, MONDO:0013681, OMIM 614307. Disease mechanism: loss of function.

gnomAD v4.1: 1 of 1,614,186 alleles (0.000062%); no homozygotes.

Submission:

Labcorp Genetics (formerly Invitae), Labcorp
Classification: Uncertain significance for Alpha-methylacyl-CoA racemase deficiency. Last evaluated: 2021-06-14. Review status: criteria provided, single submitter. Criteria: Invitae Variant Classification Sherloc (09022015). Collection method: clinical testing. Allele origin: germline.
Comment: This sequence change replaces glutamine with histidine at codon 258 of the AMACR protein (p.Gln258His). The glutamine residue is highly conserved and there is a small physicochemical difference between glutamine and histidine. This variant is not present in population databases (ExAC no frequency). This variant has not been reported in the literature in individuals with AMACR-related conditions. Algorithms developed to predict the effect of missense changes on protein structure and function are either unavailable or do not agree on the potential impact of this missense change (SIFT: "Deleterious"; PolyPhen-2: "Probably Damaging"; Align-GVGD: "Class C0"). In summary, the available evidence is currently insufficient to determine the role of this variant in disease. Therefore, it has been classified as a Variant of Uncertain Significance.

NM_014324.6(AMACR):c.774G>C (p.Gln258His)

Genes: C1QTNF3-AMACR (C1QTNF3-AMACR readthrough (NMD candidate); minus strand), AMACR (alpha-methylacyl-CoA racemase; minus strand). Cytogenetic location: 5p13.2.
Variant type: single nucleotide variant.
Coding change: c.774G>C on transcript NM_014324.6 (MANE Select); coding-DNA position 774, G replaced by C.
Protein change: p.Gln258His; replaces glutamine 258 with histidine.
Molecular consequence: missense variant. On other transcripts: non-coding transcript variant (1), 3 prime UTR variant (1).
Genome position (GRCh38, 1-based): chr5:33,989,468, C>G on the plus strand (G>C on the coding strand, the complement: AMACR is on the minus strand). VCF-style: chr5-33989468-C-G. GRCh37 (hg19) VCF-style: chr5-33989573-C-G.
Other names: c.774G>C, p.Gln258His (NM_001167595.2); c.*16G>C (NM_203382.3); short protein forms Q258H.
Identifiers: ClinVar variation 1346397 (VCV001346397.7), dbSNP rs1753409460, ClinGen allele CA359399344.